The following is an entry in ClinVar:

ClinVar aggregate classification (germline): Benign/Likely benign. Review status: criteria provided, multiple submitters, no conflicts (2 of 4 stars). 6 submissions from 6 submitters: Benign (2); Likely benign (3). 1 of the submissions does not count toward it. Last evaluated 2024-12-02.

Conditions:
PIK3R1-related disorder. Also called: PIK3R1-related condition.

Allele frequency attached by ClinVar (database versions not stated): 1000 Genomes Project 0.00479; 1000 Genomes Project 30x 0.00484; TOPMed 0.00700; ESP Exome Variant Server 0.00723; ExAC 0.00924; gnomAD 0.00961 and 0.00989.
gnomAD v4.1: 15,467 of 1,612,452 alleles (0.96%); highest among the groups gnomAD compares: Middle Eastern, 2.6%; 145 homozygotes.

Submissions (6):

Mayo Clinic Laboratories, Mayo Clinic
Classification: Benign. Last evaluated: 2024-12-02. Review status: criteria provided, single submitter. Criteria: ACMG Guidelines, 2015. Collection method: clinical testing. Allele origin: germline. Observed: 22 variant alleles.
Comment: BS1, BS2

CeGaT Center for Human Genetics Tuebingen
Classification: Benign. Last evaluated: 2024-10-01. Review status: criteria provided, single submitter. Criteria: CeGaT Center For Human Genetics Tuebingen Variant Classification Criteria Version 2. Collection method: clinical testing. Allele origin: germline. Affected: yes. Observed: 12 variant alleles.
Comment: PIK3R1: BS1, BS2

GeneDx
Classification: Likely benign. Last evaluated: 2024-01-17. Review status: criteria provided, single submitter. Criteria: GeneDx Variant Classification Process June 2021. Collection method: clinical testing. Allele origin: germline. Affected: yes.
Comment: See Variant Classification Assertion Criteria.

Genetic Services Laboratory, University of Chicago
Classification: Likely benign. Last evaluated: 2014-08-28. Review status: criteria provided, single submitter. Criteria: ACMG Guidelines, 2015. Collection method: clinical testing. Allele origin: germline.

Breakthrough Genomics
Classification: Likely benign. Review status: criteria provided, single submitter. Criteria: ACMG Guidelines, 2015. Collection method: not provided. Allele origin: germline. Inheritance: Autosomal recessive inheritance. Affected: yes.

PreventionGenetics, part of Exact Sciences
Classification: Benign for PIK3R1-related condition. Last evaluated: 2020-01-09. Review status: no assertion criteria provided. Collection method: clinical testing. Allele origin: germline. Not counted in ClinVar's aggregate classification.
Comment: This variant is classified as benign based on ACMG/AMP sequence variant interpretation guidelines (Richards et al. 2015 PMID: 25741868, with internal and published modifications).

NM_181523.3(PIK3R1):c.*3C>T

Gene: PIK3R1 (phosphoinositide-3-kinase regulatory subunit 1; plus strand). Cytogenetic location: 5q13.1.
Variant type: single nucleotide variant.
Coding change: c.*3C>T on transcript NM_181523.3 (MANE Select); 3 bases downstream of the stop codon, C replaced by T.
Molecular consequence: 3 prime UTR variant.
Genome position (GRCh38, 1-based): chr5:68,297,604, C>T. VCF-style: chr5-68297604-C-T. GRCh37 (hg19) VCF-style: chr5-67593432-C-T.
Other names: c.*3C>T (NM_001242466.2, NM_181504.4, NM_181524.2 and 1 more transcripts).
Identifiers: ClinVar variation 211905 (VCV000211905.32), dbSNP rs41268435, ClinGen allele CA206023.